The following is an entry in ClinVar:

ClinVar aggregate classification (germline): Uncertain significance (1 of 4 stars; one submission).

Conditions:
Hereditary cancer-predisposing syndrome. Also called: Hereditary Cancer Syndrome; Hereditary neoplastic syndrome; Tumor predisposition; Neoplastic Syndromes, Hereditary. Identifiers: Orphanet 140162, MedGen C0027672, MeSH D009386, MONDO:0015356.
Cardiovascular phenotype. Identifiers: MedGen CN230736.

Allele frequency attached by ClinVar (database versions not stated): TOPMed 0.00001.

Submission:

Ambry Genetics
Classification: Uncertain significance for Cardiovascular phenotype; Hereditary cancer-predisposing syndrome. Last evaluated: 2020-09-24. Review status: criteria provided, single submitter. Criteria: Ambry Variant Classification Scheme 2023. Collection method: clinical testing. Allele origin: germline.
Comment: The p.H827Y variant (also known as c.2479C>T), located in coding exon 21 of the LZTR1 gene, results from a C to T substitution at nucleotide position 2479. The histidine at codon 827 is replaced by tyrosine, an amino acid with similar properties. This amino acid position is highly conserved in available vertebrate species. In addition, the in silico prediction for this alteration is inconclusive. Since supporting evidence is limited at this time, the clinical significance of this alteration remains unclear.

NM_006767.4(LZTR1):c.2479C>T (p.His827Tyr)

Gene: LZTR1 (leucine zipper like post translational regulator 1; plus strand). Cytogenetic location: 22q11.21.
Variant type: single nucleotide variant.
Coding change: c.2479C>T on transcript NM_006767.4 (MANE Select); coding-DNA position 2479, C replaced by T.
Protein change: p.His827Tyr; replaces histidine 827 with tyrosine.
Molecular consequence: missense variant.
Genome position (GRCh38, 1-based): chr22:20,997,304, C>T. VCF-style: chr22-20997304-C-T. GRCh37 (hg19) VCF-style: chr22-21351593-C-T.
Other names: short protein forms H827Y.
Identifiers: ClinVar variation 1791877 (VCV001791877.2), dbSNP rs1924901183, ClinGen allele CA410781799.
Genomic context (GRCh38, chr22:20,997,304, plus strand): 5'-CCCACCCTGCGGTCGCTGAGCCAGCAGCTGCTGCTGGACATCATAGACTCCCTGGCCTCC[C>T]ACATCTCAGACAAGCAGTGCGCAGAGCTGGGCGCCGACATCTGAGGCCCTGTGGCGCCTG-3'
Protein context (NP_006758.2, residues 817-837): LLDIIDSLAS[His827Tyr]ISDKQCAELG